The following is an entry in ClinVar:

ClinVar aggregate classification (germline): Benign (0 of 4 stars; one submission).

Conditions:
ARFGAP2-related disorder. Also called: ARFGAP2-related condition.

Allele frequency attached by ClinVar (database versions not stated): ESP Exome Variant Server 0.00008; 1000 Genomes Project 30x 0.00250; 1000 Genomes Project 0.00280.
gnomAD v4.1: 1,278 of 1,613,802 alleles (0.079%); highest among the groups gnomAD compares: South Asian, 1.3%; 21 homozygotes.

Submission:

PreventionGenetics, part of Exact Sciences
Classification: Benign for ARFGAP2-related condition. Last evaluated: 2019-06-21. Review status: no assertion criteria provided. Collection method: clinical testing. Allele origin: germline.
Comment: This variant is classified as benign based on ACMG/AMP sequence variant interpretation guidelines (Richards et al. 2015 PMID: 25741868, with internal and published modifications).

NM_032389.6(ARFGAP2):c.763C>T (p.Arg255Cys)

Gene: ARFGAP2 (ARF GTPase activating protein 2; minus strand). Cytogenetic location: 11p11.2.
Variant type: single nucleotide variant.
Coding change: c.763C>T on transcript NM_032389.6 (MANE Select); coding-DNA position 763, C replaced by T.
Protein change: p.Arg255Cys; replaces arginine 255 with cysteine.
Molecular consequence: missense variant.
Genome position (GRCh38, 1-based): chr11:47,171,710, G>A on the plus strand (C>T on the coding strand, the complement: ARFGAP2 is on the minus strand). VCF-style: chr11-47171710-G-A. GRCh37 (hg19) VCF-style: chr11-47193261-G-A.
Other names: c.679C>T, p.Arg227Cys (NM_001242832.2); c.805C>T, p.Arg269Cys (NM_001410995.1); short protein forms R227C, R255C, R269C.
Identifiers: ClinVar variation 3037295 (VCV003037295.2), dbSNP rs138040761, ClinGen allele CA5971506.